The following is an entry in ClinVar:

NM_024334.3(TMEM43):c.371G>A (p.Trp124Ter)

Gene: TMEM43 (transmembrane protein 43; plus strand). Cytogenetic location: 3p25.1.
Variant type: single nucleotide variant.
Coding change: c.371G>A on transcript NM_024334.3 (MANE Select); coding-DNA position 371, G replaced by A.
Protein change: p.Trp124Ter; replaces tryptophan 124 with a stop codon.
Molecular consequence: nonsense.
Genome position (GRCh38, 1-based): chr3:14,131,653, G>A. VCF-style: chr3-14131653-G-A. GRCh37 (hg19) VCF-style: chr3-14173153-G-A.
Other names: short protein forms W124*.
Identifiers: ClinVar variation 1172052 (VCV001172052.5), dbSNP rs2124987915, ClinGen allele CA351534910.

ClinVar aggregate classification (germline): Uncertain significance. Review status: criteria provided, multiple submitters, no conflicts (2 of 4 stars). 2 submissions from 2 submitters: Uncertain significance (2). Last evaluated 2025-10-17.

Conditions:
Arrhythmogenic right ventricular dysplasia 5. Also called: ARRHYTHMOGENIC RIGHT VENTRICULAR DYSPLASIA, FAMILIAL, 5; Arrhythmogenic Right Ventricular Dysplasia/Cardiomyopathy 5. Identifiers: MedGen C1858379, MONDO:0011459, OMIM 604400.
Cardiomyopathy (CMYO). Also called: Cardiomyopathies. Identifiers: Orphanet 167848, MedGen C0878544, MONDO:0004994, HP:0001638. Inheritance: Various modes of inheritance.

Allele frequency attached by ClinVar (database versions not stated): gnomAD exomes below 0.00001.
gnomAD v4.1: 3 of 1,614,050 alleles (0.00019%); highest among the groups gnomAD compares: Non-Finnish European, 0.00025%; no homozygotes.

Submissions (2):

Labcorp Genetics (formerly Invitae), Labcorp
Classification: Uncertain significance for Arrhythmogenic right ventricular dysplasia 5. Last evaluated: 2025-10-17. Review status: criteria provided, single submitter. Criteria: Invitae Variant Classification Sherloc (09022015). Collection method: clinical testing. Allele origin: germline.
Comment: This sequence change creates a premature translational stop signal (p.Trp124*) in the TMEM43 gene. It is expected to result in an absent or disrupted protein product. However, the current clinical and genetic evidence is not sufficient to establish whether loss-of-function variants in TMEM43 cause disease. This variant is not present in population databases (gnomAD no frequency). This variant has not been reported in the literature in individuals affected with TMEM43-related conditions. ClinVar contains an entry for this variant (Variation ID: 1172052). Algorithms developed to predict the effect of sequence changes on RNA splicing suggest that this variant may disrupt the consensus splice site. In summary, the available evidence is currently insufficient to determine the role of this variant in disease. Therefore, it has been classified as a Variant of Uncertain Significance.

Color Diagnostics, LLC DBA Color Health
Classification: Uncertain significance for Cardiomyopathy. Last evaluated: 2020-09-16. Review status: criteria provided, single submitter. Criteria: ACMG Guidelines, 2015. Collection method: clinical testing. Allele origin: germline.
Comment: This variant changes 1 nucleotide in exon 4 of the TMEM43 gene, creating a premature translation stop signal. This variant is expected to result in an absent or non-functional protein product. To our knowledge, this variant has not been reported in individuals affected with cardiovascular disorders in the literature. This variant has not been identified in the general population by the Genome Aggregation Database (gnomAD). Clinical relevance of loss-of-function truncation and splice variants in the TMEM43 gene is not clearly established. The available evidence is insufficient to determine the role of this variant in disease conclusively. Therefore, this variant is classified as a Variant of Uncertain Significance.